The following is an entry in ClinVar:

NM_033004.4(NLRP1):c.3784-4G>A

Gene: NLRP1 (NLR family pyrin domain containing 1; minus strand). Cytogenetic location: 17p13.2.
Variant type: single nucleotide variant.
Coding change: c.3784-4G>A on transcript NM_033004.4 (MANE Select); 4 bases into the intron before coding-DNA position 3784, G replaced by A.
Molecular consequence: intron variant.
Genome position (GRCh38, 1-based): chr17:5,521,016, C>T on the plus strand (G>A on the coding strand, the complement: NLRP1 is on the minus strand). VCF-style: chr17-5521016-C-T. GRCh37 (hg19) VCF-style: chr17-5424336-C-T.
Other names: c.3796-4G>A (NM_001033053.3); c.3693+508G>A (NM_033007.4); c.3694-4G>A (NM_033006.4); c.3783+508G>A (NM_014922.5).
Identifiers: ClinVar variation 624088 (VCV000624088.54), dbSNP rs146498193, ClinGen allele CA8326729.

ClinVar aggregate classification (germline): Benign/Likely benign. Review status: criteria provided, multiple submitters, no conflicts (2 of 4 stars). 6 submissions from 6 submitters: Benign (1); Likely benign (3). 2 of the submissions do not count toward it. Last evaluated 2026-04-01.

Allele frequency attached by ClinVar (database versions not stated): gnomAD 0.00178 and 0.00204; TOPMed 0.00192; ESP Exome Variant Server 0.00223; 1000 Genomes Project 0.00260; gnomAD exomes 0.00277 and 0.00341; 1000 Genomes Project 30x 0.00281; ExAC 0.00336.
gnomAD v4.1: 5,191 of 1,600,676 alleles (0.32%); highest among the groups gnomAD compares: South Asian, 0.9%; 20 homozygotes.

Submissions (6):

CeGaT Center for Human Genetics Tuebingen
Classification: Likely benign. Last evaluated: 2026-04-01. Review status: criteria provided, single submitter. Criteria: CeGaT Center For Human Genetics Tuebingen Variant Classification Criteria Version 2. Collection method: clinical testing. Allele origin: germline. Affected: yes. Observed: 10 variant alleles.
Comment: NLRP1: BP4, BS2

Labcorp Genetics (formerly Invitae), Labcorp
Classification: Benign. Last evaluated: 2026-02-02. Review status: criteria provided, single submitter. Criteria: Invitae Variant Classification Sherloc (09022015). Collection method: clinical testing. Allele origin: germline.

Blueprint Genetics
Classification: Likely benign. Last evaluated: 2024-11-25. Review status: criteria provided, single submitter. Criteria: ACMG Guidelines, 2015. Collection method: clinical testing. Allele origin: germline.

Breakthrough Genomics
Classification: Likely benign. Review status: criteria provided, single submitter. Criteria: ACMG Guidelines, 2015. Collection method: not provided. Allele origin: germline. Inheritance: Autosomal recessive inheritance. Affected: yes.

Clinical Genetics DNA and cytogenetics Diagnostics Lab, Erasmus MC, Erasmus Medical Center
Classification: Likely benign. Review status: no assertion criteria provided. Collection method: clinical testing. Allele origin: germline. Affected: yes. Study: VKGL Data-share Consensus. Not counted in ClinVar's aggregate classification.

Genome Diagnostics Laboratory, University Medical Center Utrecht
Classification: Likely benign. Review status: no assertion criteria provided. Collection method: clinical testing. Allele origin: germline. Affected: yes. Study: VKGL Data-share Consensus. Not counted in ClinVar's aggregate classification.